The following is an entry in ClinVar:

ClinVar aggregate classification (germline): Uncertain significance. Review status: criteria provided, multiple submitters, no conflicts (2 of 4 stars). 3 submissions from 3 submitters: Uncertain significance (2). 1 of the submissions does not count toward it. Last evaluated 2021-07-06.

Conditions:
Inborn genetic diseases. Identifiers: MedGen C0950123, MeSH D030342.
TCOF1-related disorder. Also called: TCOF1-related condition.
Treacher Collins syndrome 1 (TCS1). Also called: TCOF1-Related Treacher Collins Syndrome. Identifiers: Orphanet 861, MedGen CN315775, MONDO:0007944, OMIM 154500.

Allele frequency attached by ClinVar (database versions not stated): gnomAD 0.00001 and 0.00002; gnomAD exomes 0.00003 and 0.00006; TOPMed 0.00004; ExAC 0.00005; ESP Exome Variant Server 0.00008.
gnomAD v4.1: 55 of 1,614,082 alleles (0.0034%); highest among the groups gnomAD compares: South Asian, 0.014%; no homozygotes.

Submissions (3):

Ambry Genetics
Classification: Uncertain significance for Inborn genetic diseases. Last evaluated: 2021-07-06. Review status: criteria provided, single submitter. Criteria: Ambry Variant Classification Scheme 2023. Collection method: clinical testing. Allele origin: germline.

Labcorp Genetics (formerly Invitae), Labcorp
Classification: Uncertain significance for Treacher Collins syndrome 1. Last evaluated: 2017-09-17. Review status: criteria provided, single submitter. Criteria: Invitae Variant Classification Sherloc (09022015). Collection method: clinical testing. Allele origin: germline.
Comment: This sequence change replaces asparagine with serine at codon 150 of the TCOF1 protein (p.Asn150Ser). The asparagine residue is weakly conserved and there is a small physicochemical difference between asparagine and serine. This variant is present in population databases (rs141805606, ExAC 0.02%). This variant has not been reported in the literature in individuals with TCOF1-related disease. Algorithms developed to predict the effect of missense changes on protein structure and function (SIFT, PolyPhen-2, Align-GVGD) all suggest that this variant is likely to be tolerated, but these predictions have not been confirmed by published functional studies and their clinical significance is uncertain. In summary, the available evidence is currently insufficient to determine the role of this variant in disease. Therefore, it has been classified as a Variant of Uncertain Significance.

PreventionGenetics, part of Exact Sciences
Classification: Likely benign for TCOF1-related condition. Last evaluated: 2024-07-15. Review status: no assertion criteria provided. Collection method: clinical testing. Allele origin: germline. Not counted in ClinVar's aggregate classification.
Comment: This variant is classified as likely benign based on ACMG/AMP sequence variant interpretation guidelines (Richards et al. 2015 PMID: 25741868, with internal and published modifications).

NM_001371623.1(TCOF1):c.449A>G (p.Asn150Ser)

Gene: TCOF1 (treacle ribosome biogenesis factor 1; plus strand). Cytogenetic location: 5q32.
Variant type: single nucleotide variant.
Coding change: c.449A>G on transcript NM_001371623.1 (MANE Select); coding-DNA position 449, A replaced by G.
Protein change: p.Asn150Ser; replaces asparagine 150 with serine.
Molecular consequence: missense variant.
Genome position (GRCh38, 1-based): chr5:150,368,786, A>G. VCF-style: chr5-150368786-A-G. GRCh37 (hg19) VCF-style: chr5-149748349-A-G.
Other names: c.449A>G, p.Asn150Ser (NM_000356.4, NM_001008657.3, NM_001135243.2 and 3 more transcripts); short protein forms N150S.
Identifiers: ClinVar variation 543940 (VCV000543940.6), dbSNP rs141805606, ClinGen allele CA3510567.